The following is an entry in ClinVar:

ClinVar aggregate classification (germline): Uncertain significance (1 of 4 stars; one submission).

Submission:

Labcorp Genetics (formerly Invitae), Labcorp
Classification: Uncertain significance. Last evaluated: 2023-10-04. Review status: criteria provided, single submitter. Criteria: Invitae Variant Classification Sherloc (09022015). Collection method: clinical testing. Allele origin: germline.
Comment: This sequence change replaces proline, which is neutral and non-polar, with alanine, which is neutral and non-polar, at codon 1309 of the ADGRV1 protein (p.Pro1309Ala). This variant is not present in population databases (gnomAD no frequency). This variant has not been reported in the literature in individuals affected with ADGRV1-related conditions. Advanced modeling of protein sequence and biophysical properties (such as structural, functional, and spatial information, amino acid conservation, physicochemical variation, residue mobility, and thermodynamic stability) performed at Invitae indicates that this missense variant is not expected to disrupt ADGRV1 protein function. In summary, the available evidence is currently insufficient to determine the role of this variant in disease. Therefore, it has been classified as a Variant of Uncertain Significance.

NM_032119.4(ADGRV1):c.3925C>G (p.Pro1309Ala)

Gene: ADGRV1 (adhesion G protein-coupled receptor V1; plus strand). Cytogenetic location: 5q14.3.
Variant type: single nucleotide variant.
Coding change: c.3925C>G on transcript NM_032119.4 (MANE Select); coding-DNA position 3925, C replaced by G.
Protein change: p.Pro1309Ala; replaces proline 1309 with alanine.
Molecular consequence: missense variant. On other transcripts: non-coding transcript variant (1).
Genome position (GRCh38, 1-based): chr5:90,653,499, C>G. VCF-style: chr5-90653499-C-G. GRCh37 (hg19) VCF-style: chr5-89949316-C-G.
Other names: short protein forms P1309A.
Identifiers: ClinVar variation 2831994 (VCV002831994.3), dbSNP rs2532087520, ClinGen allele CA360399921.